The following is an entry in ClinVar:

NM_014271.4(IL1RAPL1):c.1227dup (p.Ser410fs)

Gene: IL1RAPL1 (interleukin 1 receptor accessory protein like 1; plus strand). Cytogenetic location: Xp21.2.
Variant type: Duplication.
Coding change: c.1227dup on transcript NM_014271.4 (MANE Select); coding-DNA position 1227, one base duplicated (A; older notation c.1227dupA).
Protein change: p.Ser410fs; shifts the reading frame from serine 410.
Molecular consequence: frameshift variant.
Genome position (GRCh38, 1-based): chrX:29,954,547, A duplicated. VCF-style (leftmost placement, unchanged base first): chrX-29954546-T-TA. GRCh37 (hg19) VCF-style: chrX-29972663-T-TA.
Other names: short protein forms S410fs.
Identifiers: ClinVar variation 1321320 (VCV001321320.3), dbSNP rs2147258610, ClinGen allele CA2573055241.

ClinVar aggregate classification (germline): Likely pathogenic (1 of 4 stars; one submission).

Conditions:
Intellectual developmental disorder, X-linked 21. Also called: MENTAL RETARDATION, X-LINKED 34; Intellectual disability, X-linked 21; Mental retardation, X-linked 21/34. Identifiers: Orphanet 777, MedGen C5551510, MONDO:0010256, OMIM 300143.

Submission:

Center for Human Genetics and Genomic Medicine, Uniklinik Rwth Aachen
Classification: Likely pathogenic for Intellectual developmental disorder, X-linked 21. Last evaluated: 2021-11-16. Review status: criteria provided, single submitter. Criteria: ACMG Guidelines, 2015. Collection method: clinical testing. Allele origin: unknown. Inheritance: X-linked inheritance. Affected: yes. Observed: 1 hemizygote.
Comment: The detected change has not yet been reported in the relevant databases (dbSNP151, gnomAD, ClinVar) or in the literature. The detected variant leads to a frame shift and therefore, in all probability, to the loss of function of the corresponding protein. At this point in time, the variant is to be regarded as a “likely pathogenic variant”.